The following is an entry in ClinVar:

NC_000017.11:g.(?_75946738)_(75957576_?)del

Gene: ACOX1 (acyl-CoA oxidase 1; minus strand). Cytogenetic location: 17q25.1.
Variant type: Deletion.
Identifiers: ClinVar variation 830514 (VCV000830514.3).

ClinVar aggregate classification (germline): Likely pathogenic (1 of 4 stars; one submission).

Conditions:
Acyl-CoA oxidase deficiency. Also called: STRAIGHT-CHAIN ACYL-CoA OXIDASE DEFICIENCY; Pseudoneonatal adrenoleukodystrophy; Peroxisomal acyl-CoA oxidase deficiency. Identifiers: Orphanet 2971, MedGen C1849678, MONDO:0009919, OMIM 264470. Disease mechanism: loss of function.

Submission:

Labcorp Genetics (formerly Invitae), Labcorp
Classification: Likely pathogenic for Acyl-CoA oxidase deficiency. Last evaluated: 2019-08-01. Review status: criteria provided, single submitter. Criteria: Invitae Variant Classification Sherloc (09022015). Collection method: clinical testing. Allele origin: germline.
Comment: In summary, the currently available evidence indicates that the variant is pathogenic, but additional data are needed to prove that conclusively. Therefore, this variant has been classified as Likely Pathogenic. The deletion has been reported to affect ACOX1 protein function (PMID: 18536048). A similar deletion of exons 4-14 has been observed as homozygous in an individual affected with peroxisomal acyl-CoA-oxidase deficiency (PMID: 18536048). This variant is a gross deletion of the genomic region encompassing exons 4-14 of the ACOX1 gene. The 5' boundary is likely confined to intron 3. The 3' end of this event is unknown as it extends through the termination codon beyond the assayed region for this gene and may encompass additional genes. While this deletion is not anticipated to result in nonsense mediated decay, it is expected to create a truncated protein product or disrupt mRNA translation.

Literature cited by the submitters: PubMed 18536048.